The following is an entry in ClinVar:

NM_014140.4(SMARCAL1):c.2569G>A (p.Gly857Arg)

Gene: SMARCAL1 (SNF2 related chromatin remodeling annealing helicase 1; plus strand). Cytogenetic location: 2q35.
Variant type: single nucleotide variant.
Coding change: c.2569G>A on transcript NM_014140.4 (MANE Select); coding-DNA position 2569, G replaced by A.
Protein change: p.Gly857Arg; replaces glycine 857 with arginine.
Molecular consequence: missense variant.
Genome position (GRCh38, 1-based): chr2:216,478,243, G>A. VCF-style: chr2-216478243-G-A. GRCh37 (hg19) VCF-style: chr2-217342966-G-A.
Other names: c.2569G>A, p.Gly857Arg (NM_001127207.2); short protein forms G857R.
Identifiers: ClinVar variation 2195482 (VCV002195482.2), dbSNP rs760511139, ClinGen allele CA2098250.
Genomic context (GRCh38, chr2:216,478,243, plus strand): 5'-AGCTCATTTCTCCCCAACAGGCCCCTGATTCAAGAGAAGATTAAAGTTCTGGCAGAAGCC[G>A]GGCTTTCTGAGACCAATTTTTCAGAAATGACAGAATCCACTGATTACCTCTACAAGGTAA-3'
Protein context (NP_054859.2, residues 847-867): QEKIKVLAEA[Gly857Arg]LSETNFSEMT

ClinVar aggregate classification (germline): Uncertain significance. Review status: criteria provided, multiple submitters, no conflicts (2 of 4 stars). 2 submissions from 2 submitters: Uncertain significance (2). Last evaluated 2024-05-13.

Conditions:
Schimke immuno-osseous dysplasia (SIOD). Also called: Schimke Immunoosseous Dysplasia. Identifiers: Orphanet 1830, MedGen C0877024, MONDO:0009458, OMIM 242900.

Allele frequency attached by ClinVar (database versions not stated): ExAC 0.00001; gnomAD 0.00002; TOPMed 0.00002; gnomAD exomes 0.00003.
gnomAD v4.1: 40 of 1,614,024 alleles (0.0025%); highest among the groups gnomAD compares: South Asian, 0.0044%; no homozygotes.

Submissions (2):

Fulgent Genetics
Classification: Uncertain significance for Schimke immuno-osseous dysplasia. Last evaluated: 2024-05-13. Review status: criteria provided, single submitter. Criteria: ACMG Guidelines, 2015. Collection method: clinical testing. Allele origin: germline.

Labcorp Genetics (formerly Invitae), Labcorp
Classification: Uncertain significance for Schimke immuno-osseous dysplasia. Last evaluated: 2022-07-25. Review status: criteria provided, single submitter. Criteria: Invitae Variant Classification Sherloc (09022015). Collection method: clinical testing. Allele origin: germline.
Comment: This sequence change replaces glycine, which is neutral and non-polar, with arginine, which is basic and polar, at codon 857 of the SMARCAL1 protein (p.Gly857Arg). This variant is present in population databases (rs760511139, gnomAD 0.007%). This variant has not been reported in the literature in individuals affected with SMARCAL1-related conditions. Algorithms developed to predict the effect of missense changes on protein structure and function are either unavailable or do not agree on the potential impact of this missense change (SIFT: "Deleterious"; PolyPhen-2: "Probably Damaging"; Align-GVGD: "Class C0"). In summary, the available evidence is currently insufficient to determine the role of this variant in disease. Therefore, it has been classified as a Variant of Uncertain Significance.